The following is an entry in ClinVar:

NM_006531.5(IFT88):c.1175C>T (p.Thr392Ile)

Gene: IFT88 (intraflagellar transport 88; plus strand). Cytogenetic location: 13q12.11.
Variant type: single nucleotide variant.
Coding change: c.1175C>T on transcript NM_006531.5 (MANE Select); coding-DNA position 1175, C replaced by T.
Protein change: p.Thr392Ile; replaces threonine 392 with isoleucine.
Molecular consequence: missense variant. On other transcripts: non-coding transcript variant (5), intron variant (1).
Genome position (GRCh38, 1-based): chr13:20,615,855, C>T. VCF-style: chr13-20615855-C-T. GRCh37 (hg19) VCF-style: chr13-21189994-C-T.
Other names: c.1118C>T, p.Thr373Ile (NM_001318491.2, NM_001353575.2); c.1202C>T, p.Thr401Ile (NM_001318493.2, NM_001353565.2, NM_001353566.2 and 2 more transcripts); c.1175C>T, p.Thr392Ile (NM_001353568.2, NM_001353572.2); c.1100C>T, p.Thr367Ile (NM_001353569.2, NM_001353570.2, NM_001353576.2 and 1 more transcripts); c.1073C>T, p.Thr358Ile (NM_001353571.2, NM_001353578.2); c.1016C>T, p.Thr339Ile (NM_001353574.2); c.542C>T, p.Thr181Ile (NM_001353579.2); c.1056-9895C>T (NM_001353573.2); short protein forms T373I, T181I, T358I, T339I, T367I, T392I, T401I.
Identifiers: ClinVar variation 2189027 (VCV002189027.4), dbSNP rs771896937, ClinGen allele CA6905307.

ClinVar aggregate classification (germline): Uncertain significance (1 of 4 stars; one submission).

Allele frequency attached by ClinVar (database versions not stated): TOPMed below 0.00001; gnomAD 0.00001; gnomAD exomes 0.00001; ExAC 0.00002.
gnomAD v4.1: 13 of 1,606,732 alleles (0.00081%); highest among the groups gnomAD compares: Admixed American, 0.012%; no homozygotes.

Submission:

Labcorp Genetics (formerly Invitae), Labcorp
Classification: Uncertain significance. Last evaluated: 2022-10-24. Review status: criteria provided, single submitter. Criteria: Invitae Variant Classification Sherloc (09022015). Collection method: clinical testing. Allele origin: germline.
Comment: This sequence change replaces threonine, which is neutral and polar, with isoleucine, which is neutral and non-polar, at codon 401 of the IFT88 protein (p.Thr401Ile). This variant is present in population databases (rs771896937, gnomAD 0.02%). In summary, the available evidence is currently insufficient to determine the role of this variant in disease. Therefore, it has been classified as a Variant of Uncertain Significance. Algorithms developed to predict the effect of sequence changes on RNA splicing suggest that this variant may disrupt the consensus splice site. Algorithms developed to predict the effect of missense changes on protein structure and function are either unavailable or do not agree on the potential impact of this missense change (SIFT: "Not Available"; PolyPhen-2: "Benign"; Align-GVGD: "Not Available"). This variant has not been reported in the literature in individuals affected with IFT88-related conditions.